The following is an entry in ClinVar:

ClinVar aggregate classification (germline): Likely benign (1 of 4 stars; one submission).

Submission:

CeGaT Center for Human Genetics Tuebingen
Classification: Likely benign. Last evaluated: 2025-12-01. Review status: criteria provided, single submitter. Criteria: CeGaT Center For Human Genetics Tuebingen Variant Classification Criteria Version 2. Collection method: clinical testing. Allele origin: germline. Affected: yes. Observed: 3 variant alleles.
Comment: POLR2A: BP3

NM_000937.5(POLR2A):c.4995GCCCACCTCTCCCAGCTACTC[1] (p.1642SYSPTSP[14])

Gene: POLR2A (RNA polymerase II subunit A; plus strand). Cytogenetic location: 17p13.1.
Variant type: Microsatellite.
Coding change: c.4995GCCCACCTCTCCCAGCTACTC[1] on transcript NM_000937.5 (MANE Select); one copy of the 21-base unit GCCCACCTCTCCCAGCTACTC starting at c.4995; the reference has two copies in a row; one copy, 21 bases deleted.
Protein change: p.1642SYSPTSP[14].
Molecular consequence: inframe deletion.
Genome position (GRCh38, 1-based): chr17:7,513,280-7,513,300, GCCCACCTCTCCCAGCTACTC deleted; deleting any 21 consecutive bases within chr17:7,513,239-7,513,300 gives the same sequence; the position shown is the placement nearest the transcript's 3' end. VCF-style (leftmost placement, unchanged base first): chr17-7513238-ACCCACCTCTCCCAGCTACTCG-A. GRCh37 (hg19) VCF-style: chr17-7416557-ACCCACCTCTCCCAGCTACTCG-A.
Identifiers: ClinVar variation 2647359 (VCV002647359.24), dbSNP rs750847790, ClinGen allele CA8350461.
Genomic context (GRCh38, chr17:7,513,238, plus strand): 5'-CACATCACCCAGCTATTCGCCAACGTCACCCAGCTACTCACCGACCTCTCCCAGCTACTC[ACCCACCTCTCCCAGCTACTCG>A]CCCACCTCTCCCAGCTACTCGCCCACCTCTCCCAGCTACTCACCCACTTCCCCTAGCTAC-3'